The following is an entry in ClinVar:

NM_001378454.1(ALMS1):c.10244C>T (p.Ser3415Leu)

Gene: ALMS1 (ALMS1 centrosome and basal body associated protein; plus strand). Cytogenetic location: 2p13.1.
Variant type: single nucleotide variant.
Coding change: c.10244C>T on transcript NM_001378454.1 (MANE Select); coding-DNA position 10244, C replaced by T.
Protein change: p.Ser3415Leu; replaces serine 3415 with leucine.
Molecular consequence: missense variant.
Genome position (GRCh38, 1-based): chr2:73,559,002, C>T. VCF-style: chr2-73559002-C-T. GRCh37 (hg19) VCF-style: chr2-73786129-C-T.
Other names: c.10247C>T, p.Ser3416Leu (NM_015120.4); short protein forms S3416L, S3415L.
Identifiers: ClinVar variation 1966129 (VCV001966129.2), dbSNP rs2466408300, ClinGen allele CA347277781.

ClinVar aggregate classification (germline): Uncertain significance (1 of 4 stars; one submission).

Conditions:
Alstrom syndrome (ALMS). Identifiers: Orphanet 64, MedGen C0268425, MONDO:0008763, OMIM 203800.

Submission:

Labcorp Genetics (formerly Invitae), Labcorp
Classification: Uncertain significance for Alstrom syndrome. Last evaluated: 2022-03-17. Review status: criteria provided, single submitter. Criteria: Invitae Variant Classification Sherloc (09022015). Collection method: clinical testing. Allele origin: germline.
Comment: This sequence change replaces serine, which is neutral and polar, with leucine, which is neutral and non-polar, at codon 3416 of the ALMS1 protein (p.Ser3416Leu). This variant is not present in population databases (gnomAD no frequency). This variant has not been reported in the literature in individuals affected with ALMS1-related conditions. Experimental studies and prediction algorithms are not available or were not evaluated, and the functional significance of this variant is currently unknown. In summary, the available evidence is currently insufficient to determine the role of this variant in disease. Therefore, it has been classified as a Variant of Uncertain Significance.